The following is an entry in ClinVar:

ClinVar aggregate classification (germline): Uncertain significance. Review status: criteria provided, multiple submitters, no conflicts (2 of 4 stars). 2 submissions from 2 submitters: Uncertain significance (2). Last evaluated 2025-11-03.

Allele frequency attached by ClinVar (database versions not stated): ExAC 0.00001; gnomAD exomes 0.00003; TOPMed 0.00003; gnomAD 0.00005.
gnomAD v4.1: 54 of 1,613,510 alleles (0.0033%); highest among the groups gnomAD compares: Non-Finnish European, 0.0043%; no homozygotes.

Submissions (2):

Labcorp Genetics (formerly Invitae), Labcorp
Classification: Uncertain significance. Last evaluated: 2025-11-03. Review status: criteria provided, single submitter. Criteria: Invitae Variant Classification Sherloc (09022015). Collection method: clinical testing. Allele origin: germline.
Comment: This sequence change replaces alanine, which is neutral and non-polar, with threonine, which is neutral and polar, at codon 142 of the DCHS1 protein (p.Ala142Thr). This variant is present in population databases (rs768806695, gnomAD 0.004%). This variant has not been reported in the literature in individuals affected with DCHS1-related conditions. ClinVar contains an entry for this variant (Variation ID: 1901275). Invitae Evidence Modeling of protein sequence and biophysical properties (such as structural, functional, and spatial information, amino acid conservation, physicochemical variation, residue mobility, and thermodynamic stability) indicates that this missense variant is not expected to disrupt DCHS1 protein function with a negative predictive value of 95%. In summary, the available evidence is currently insufficient to determine the role of this variant in disease. Therefore, it has been classified as a Variant of Uncertain Significance.

GeneDx
Classification: Uncertain significance. Last evaluated: 2024-12-11. Review status: criteria provided, single submitter. Criteria: GeneDx Variant Classification Process June 2021. Collection method: clinical testing. Allele origin: germline. Affected: yes.
Comment: Not observed at significant frequency in large population cohorts (gnomAD); In silico analysis indicates that this missense variant does not alter protein structure/function; Has not been previously published as pathogenic or benign to our knowledge

NM_003737.4(DCHS1):c.424G>A (p.Ala142Thr)

Gene: DCHS1 (dachsous cadherin-related 1; minus strand). Cytogenetic location: 11p15.4.
Variant type: single nucleotide variant.
Coding change: c.424G>A on transcript NM_003737.4 (MANE Select); coding-DNA position 424, G replaced by A.
Protein change: p.Ala142Thr; replaces alanine 142 with threonine.
Molecular consequence: missense variant.
Genome position (GRCh38, 1-based): chr11:6,641,190, C>T on the plus strand (G>A on the coding strand, the complement: DCHS1 is on the minus strand). VCF-style: chr11-6641190-C-T. GRCh37 (hg19) VCF-style: chr11-6662421-C-T.
Other names: c.424G>A (NM_003737.3); short protein forms A142T.
Identifiers: ClinVar variation 1901275 (VCV001901275.6), dbSNP rs768806695, ClinGen allele CA5861155.